The following is an entry in ClinVar:

ClinVar aggregate classification (germline): Uncertain significance (1 of 4 stars; one submission).

Conditions:
MHC class II deficiency. Also called: Bare lymphocyte syndrome 2; BLS, TYPE II. Identifiers: Orphanet 572, MedGen C5447452, MONDO:0008855.

Submission:

Labcorp Genetics (formerly Invitae), Labcorp
Classification: Uncertain significance for MHC class II deficiency. Last evaluated: 2022-10-17. Review status: criteria provided, single submitter. Criteria: Invitae Variant Classification Sherloc (09022015). Collection method: clinical testing. Allele origin: germline.
Comment: This sequence change replaces serine, which is neutral and polar, with phenylalanine, which is neutral and non-polar, at codon 234 of the CIITA protein (p.Ser234Phe). This variant is not present in population databases (gnomAD no frequency). This variant has not been reported in the literature in individuals affected with CIITA-related conditions. Algorithms developed to predict the effect of missense changes on protein structure and function are either unavailable or do not agree on the potential impact of this missense change (SIFT: "Deleterious"; PolyPhen-2: "Possibly Damaging"; Align-GVGD: "Class C0"). In summary, the available evidence is currently insufficient to determine the role of this variant in disease. Therefore, it has been classified as a Variant of Uncertain Significance.

NM_000246.4(CIITA):c.701C>T (p.Ser234Phe)

Gene: CIITA (class II major histocompatibility complex transactivator; plus strand). Cytogenetic location: 16p13.13.
Variant type: single nucleotide variant.
Coding change: c.701C>T on transcript NM_000246.4 (MANE Select); coding-DNA position 701, C replaced by T.
Protein change: p.Ser234Phe; replaces serine 234 with phenylalanine.
Molecular consequence: missense variant. On other transcripts: non-coding transcript variant (1).
Genome position (GRCh38, 1-based): chr16:10,902,730, C>T. VCF-style: chr16-10902730-C-T. GRCh37 (hg19) VCF-style: chr16-10996587-C-T.
Other names: c.704C>T, p.Ser235Phe (NM_001286402.1, NM_001379332.1); c.554C>T, p.Ser185Phe (NM_001286403.2, NM_001379331.1); c.557C>T, p.Ser186Phe (NM_001379330.1); c.701C>T, p.Ser234Phe (NM_001379333.1); c.632C>T, p.Ser211Phe (NM_001379334.1); short protein forms S186F, S234F, S185F, S211F, S235F.
Identifiers: ClinVar variation 1916704 (VCV001916704.4), dbSNP rs2544413755, ClinGen allele CA394728684.